The following is an entry in ClinVar:

ClinVar aggregate classification (germline): Uncertain significance. Review status: criteria provided, multiple submitters, no conflicts (2 of 4 stars). 2 submissions from 2 submitters: Uncertain significance (2). Last evaluated 2024-06-18.

Conditions:
Primary dilated cardiomyopathy (DCM). Also called: Dilated Cardiomyopathy. Identifiers: Orphanet 217604, MedGen C0007193, MeSH D002311, MONDO:0005021, HP:0001644. Inheritance: Various modes of inheritance.

Allele frequency attached by ClinVar (database versions not stated): ExAC 0.00005; gnomAD exomes 0.00004 and 0.00001; TOPMed 0.00002; gnomAD 0.00003.
gnomAD v4.1: 16 of 1,553,154 alleles (0.001%); highest among the groups gnomAD compares: Admixed American, 0.024%; no homozygotes.

Submissions (2):

Labcorp Genetics (formerly Invitae), Labcorp
Classification: Uncertain significance for Primary dilated cardiomyopathy. Last evaluated: 2024-06-18. Review status: criteria provided, single submitter. Criteria: Invitae Variant Classification Sherloc (09022015). Collection method: clinical testing. Allele origin: germline.
Comment: This sequence change affects a donor splice site in intron 8 of the NEBL gene. It is expected to disrupt RNA splicing. Variants that disrupt the donor or acceptor splice site typically lead to a loss of protein function (PMID: 16199547), however the current clinical and genetic evidence is not sufficient to establish whether loss-of-function variants in NEBL cause disease. This variant is present in population databases (rs746179839, gnomAD 0.03%). This variant has not been reported in the literature in individuals affected with NEBL-related conditions. ClinVar contains an entry for this variant (Variation ID: 452838). Algorithms developed to predict the effect of sequence changes on RNA splicing suggest that this variant may disrupt the consensus splice site. In summary, the available evidence is currently insufficient to determine the role of this variant in disease. Therefore, it has been classified as a Variant of Uncertain Significance.

GeneDx
Classification: Uncertain significance. Last evaluated: 2017-10-18. Review status: criteria provided, single submitter. Criteria: GeneDx Variant Classification (06012015). Collection method: clinical testing. Allele origin: germline. Affected: yes.
Comment: A variant of uncertain significance has been identified in the NEBL gene. The c.798+1 G>A variant has not been published as pathogenic or been reported as benign to our knowledge. This variant is observed in 11/33820 (0.03%) alleles from individuals of Latino ancestry in large population cohorts (Lek et al., 2016). The c.798+1 G>A variant is predicted to destroy the canonical splice donor site in intron 8 and may lead to abnormal gene splicing. This variant is predicted to lead to either an abnormal message that is subject to nonsense-mediated mRNA decay, or to an abnormal protein product if the message is used for protein translation. However, no other splice site variants in the NEBL gene have been reported in HGMD in association with cardiomyopathy (Stenson et al., 2014). Finally, in the absence of functional mRNA studies, the physiological consequence of this variant cannot be precisely determined.

Literature cited by the submitters: PubMed 16199547 (cited by Labcorp Genetics (formerly Invitae), Labcorp).

NM_006393.3(NEBL):c.798+1G>A

Gene: NEBL (nebulette; minus strand). Cytogenetic location: 10p12.31.
Variant type: single nucleotide variant.
Coding change: c.798+1G>A on transcript NM_006393.3 (MANE Select); the canonical splice donor site of the intron after coding-DNA position 798, G replaced by A.
Molecular consequence: splice donor variant. On other transcripts: intron variant (9).
Genome position (GRCh38, 1-based): chr10:20,859,712, C>T on the plus strand (G>A on the coding strand, the complement: NEBL is on the minus strand). VCF-style: chr10-20859712-C-T. GRCh37 (hg19) VCF-style: chr10-21148641-C-T.
Other names: c.358-46772G>A (NM_001377322.1, NM_213569.2, NM_001173484.2); c.301-46772G>A (NM_001377324.1); c.292-46772G>A (NM_001377325.1); c.310-46772G>A (NM_001377323.1); c.250-46772G>A (NM_001377326.1, NM_001377327.1, NM_001377328.1).
Identifiers: ClinVar variation 452838 (VCV000452838.10), dbSNP rs746179839, ClinGen allele CA5433110.